The following is an entry in ClinVar:

NM_000143.4(FH):c.1512G>C (p.Lys504Asn)

Gene: FH (fumarate hydratase; minus strand). Cytogenetic location: 1q43.
Variant type: single nucleotide variant.
Coding change: c.1512G>C on transcript NM_000143.4 (MANE Select); coding-DNA position 1512, G replaced by C.
Protein change: p.Lys504Asn; replaces lysine 504 with asparagine.
Molecular consequence: missense variant.
Genome position (GRCh38, 1-based): chr1:241,497,849, C>G on the plus strand (G>C on the coding strand, the complement: FH is on the minus strand). VCF-style: chr1-241497849-C-G. GRCh37 (hg19) VCF-style: chr1-241661149-C-G.
Other names: short protein forms K504N.
Identifiers: ClinVar variation 4808681 (VCV004808681.2).

ClinVar aggregate classification (germline): Uncertain significance. Review status: criteria provided, multiple submitters, no conflicts (2 of 4 stars). 2 submissions from 2 submitters: Uncertain significance (2). Last evaluated 2026-07-01.

Conditions:
Hereditary cancer-predisposing syndrome. Also called: Neoplastic Syndromes, Hereditary; Tumor predisposition; Hereditary Cancer Syndrome; Hereditary neoplastic syndrome. Identifiers: Orphanet 140162, MedGen C0027672, MeSH D009386, MONDO:0015356.

Submissions (2):

Ambry Genetics
Classification: Uncertain significance for Hereditary cancer-predisposing syndrome. Last evaluated: 2026-07-01. Review status: criteria provided, single submitter. Criteria: Ambry Variant Classification Scheme 2023. Collection method: clinical testing. Allele origin: germline.
Comment: The p.K504N variant (also known as c.1512G>C), located in coding exon 10 of the FH gene, results from a G to C substitution at nucleotide position 1512. The lysine at codon 504 is replaced by asparagine, an amino acid with similar properties. This amino acid position is conserved. In addition, this alteration is predicted to be tolerated by in silico analysis. Based on the available evidence, the clinical significance of this variant remains unclear.

Labcorp Genetics (formerly Invitae), Labcorp
Classification: Uncertain significance. Last evaluated: 2026-01-13. Review status: criteria provided, single submitter. Criteria: Invitae Variant Classification Sherloc (09022015). Collection method: clinical testing. Allele origin: germline.
Comment: This sequence change replaces lysine, which is basic and polar, with asparagine, which is neutral and polar, at codon 504 of the FH protein (p.Lys504Asn). This variant is not present in population databases (gnomAD no frequency). This variant has not been reported in the literature in individuals affected with FH-related conditions. Invitae Evidence Modeling of protein sequence and biophysical properties (such as structural, functional, and spatial information, amino acid conservation, physicochemical variation, residue mobility, and thermodynamic stability) indicates that this missense variant is not expected to disrupt FH protein function with a negative predictive value of 80%. In summary, the available evidence is currently insufficient to determine the role of this variant in disease. Therefore, it has been classified as a Variant of Uncertain Significance.